The following is an entry in ClinVar:

ClinVar aggregate classification (germline): Likely pathogenic. Review status: reviewed by expert panel (3 of 4 stars). 3 submissions from 3 submitters: Likely pathogenic (1). 2 of the submissions do not count toward it. Last evaluated 2025-06-09.

Conditions:
Monogenic diabetes. Identifiers: Orphanet 183625, MedGen C3888631, MONDO:0015967.
Maturity-onset diabetes of the young (MODY). Also called: Maturity onset diabetes mellitus in young. Identifiers: Orphanet 552, MedGen C0342276, MONDO:0018911, HP:0004904.
Maturity-onset diabetes of the young type 3. Also called: MODY type 3; MODY, type III. Identifiers: Orphanet 552, MedGen C1838100, MeSH C563933, MONDO:0010894, OMIM 600496. Disease mechanism: loss of function.

Submissions (3):

ClinGen Monogenic Diabetes Variant Curation Expert Panel
Classification: Likely pathogenic for Monogenic diabetes. Last evaluated: 2025-06-09. Review status: reviewed by expert panel. Criteria: ClinGen Diabetes ACMG Specifications HNF1A V2.1.0. Collection method: curation. Allele origin: germline. Inheritance: Autosomal dominant inheritance.
Comment: The c.169del variant in the HNF1 homeobox A gene, HNF1A, causes a frameshift in the protein at codon 57 (NM_000545.8), adding 98 novel amino acids before encountering a stop codon (p.(Leu57TrpfsTer98)). This variant, located in biologically-relevant exon 1 of 10, is predicted to lead to nonsense mediated decay in a gene in which loss-of-function is an established disease mechanism (PVS1; PMID 23348805) and is absent from gnomAD v2.1.1 and v4.1.0 (PM2_Supporting). This variant was previously reported in ClinVar, but no clinical information was provided, so PP4 could not be applied. In summary, c.169del meets the criteria to be classified as likely pathogenic for monogenic diabetes. ACMG/AMP criteria applied, as specified by the ClinGen MDEP (specification version 2.1.0, approved 8/11/23): PVS1, PM2_Supporting.

Women's Health and Genetics/Laboratory Corporation of America, LabCorp
Classification: Likely pathogenic for MODY3. Last evaluated: 2011-08-18. Review status: criteria provided, single submitter. Criteria: LabCorp Variant Classification Summary - May 2015. Collection method: curation, clinical testing. Allele origin: germline. Inheritance: autosomal unknown. Affected: yes. Not counted in ClinVar's aggregate classification.
ClinVar note: Converted during submission from likely pathogenic to Likely pathogenic.

Clinical Genomics, Uppaluri K&H Personalized Medicine Clinic
Classification: Likely pathogenic for Maturity-onset diabetes of the young. Review status: criteria provided, single submitter. Criteria: K & H Uppaluri Personalized Medicine Clinic Variant Classification & Assertion Criteria_Updated V.1. Collection method: research. Allele origin: unknown. Inheritance: Autosomal dominant inheritance. Not counted in ClinVar's aggregate classification.
Comment: Mutations in HNF1A gene can predispose to MODY3. It is associated with both micro and macrovascular complications of diabetes, especially cardiovascular complications. Associated with glucosuria. May respond well to sulfonylureas. However, more evidence is required to confer the association of this particular variant rs193922588 with MODY3.

Literature cited by the submitters: PubMed 23348805 (cited by ClinGen Monogenic Diabetes Variant Curation Expert Panel); PubMed 31517624 (cited by Clinical Genomics, Uppaluri K&H Personalized Medicine Clinic); PubMed 32395877 (cited by Clinical Genomics, Uppaluri K&H Personalized Medicine Clinic); PubMed 35328643 (cited by Clinical Genomics, Uppaluri K&H Personalized Medicine Clinic); PubMed 35673428 (cited by Clinical Genomics, Uppaluri K&H Personalized Medicine Clinic).

NM_000545.8(HNF1A):c.169del (p.Leu57fs)

Gene: HNF1A (HNF1 homeobox A; plus strand). Cytogenetic location: 12q24.31.
Variant type: Deletion.
Coding change: c.169del on transcript NM_000545.8 (MANE Select); coding-DNA position 169, one base deleted (C; older notation c.169delC).
Protein change: p.Leu57fs; shifts the reading frame from leucine 57.
Molecular consequence: frameshift variant.
Genome position (GRCh38, 1-based): chr12:120,978,937, C deleted. VCF-style (leftmost placement, unchanged base first): chr12-120978936-GC-G. GRCh37 (hg19) VCF-style: chr12-121416739-GC-G.
Other names: NM_000545.8(HNF1A):c.169del; p.Leu57fs; c.169del, p.Leu57fs (NM_001306179.2); short protein forms L57fs.
Identifiers: ClinVar variation 36809 (VCV000036809.8), dbSNP rs193922588, ClinGen allele CA214284.